The following is an entry in ClinVar:

ClinVar aggregate classification (germline): Likely pathogenic (1 of 4 stars; one submission).

Conditions:
Dilated cardiomyopathy 1G (CMD1G). Identifiers: Orphanet 154, MedGen C1858763, MONDO:0011400, OMIM 604145.
Autosomal recessive limb-girdle muscular dystrophy type 2J (LGMDR10). Also called: Limb-girdle muscular dystrophy, type 2J; MUSCULAR DYSTROPHY, LIMB-GIRDLE, AUTOSOMAL RECESSIVE 10. Identifiers: Orphanet 140922, MedGen C1837342, MONDO:0012127, OMIM 608807.

Submission:

Labcorp Genetics (formerly Invitae), Labcorp
Classification: Likely pathogenic for Dilated cardiomyopathy 1G; Autosomal recessive limb-girdle muscular dystrophy type 2J. Last evaluated: 2023-03-01. Review status: criteria provided, single submitter. Criteria: Invitae Variant Classification Sherloc (09022015). Collection method: clinical testing. Allele origin: germline.
Comment: This variant has not been reported in the literature in individuals affected with TTN-related conditions. In summary, the currently available evidence indicates that the variant is pathogenic, but additional data are needed to prove that conclusively. Therefore, this variant has been classified as Likely Pathogenic. This variant is located in the A band of TTN (PMID: 25589632). Truncating variants in this region are significantly overrepresented in patients affected with dilated cardiomyopathy (PMID: 25589632). Truncating variants in this region have also been reported in individuals affected with autosomal recessive centronuclear myopathy (PMID: 23975875). This variant is not present in population databases (gnomAD no frequency). This sequence change creates a premature translational stop signal (p.Thr19237Serfs*24) in the TTN gene. While this is not anticipated to result in nonsense mediated decay, it is expected to create a truncated TTN protein.

Literature cited by the submitters: PubMed 25589632; PubMed 23975875.

NM_001267550.2(TTN):c.57710_57711del (p.Thr19237fs)

Genes: TTN-AS1 (TTN antisense RNA 1; plus strand), TTN (titin; minus strand). Cytogenetic location: 2q31.2.
Variant type: Deletion.
Coding change: c.57710_57711del on transcript NM_001267550.2 (MANE Select); coding-DNA positions 57710 to 57711, 2 bases deleted (CA; older notation c.57710_57711delCA).
Protein change: p.Thr19237fs; shifts the reading frame from threonine 19237.
Molecular consequence: frameshift variant.
Genome position (GRCh38, 1-based): chr2:178,595,643-178,595,644, TG deleted on the plus strand (CA on the coding strand, the reverse complement: TTN is on the minus strand); deleting any 2 consecutive bases within chr2:178,595,643-178,595,645 gives the same sequence; the c. name uses the placement nearest the transcript's 3' end. VCF-style (leftmost placement, unchanged base first): chr2-178595642-CTG-C. GRCh37 (hg19) VCF-style: chr2-179460369-CTG-C.
Other names: c.52787_52788del, p.Thr17596fs (NM_001256850.1); c.30515_30516del, p.Thr10172fs (NM_003319.4); c.50006_50007del, p.Thr16669fs (NM_133378.4); c.30890_30891del, p.Thr10297fs (NM_133432.3); c.31091_31092del, p.Thr10364fs (NM_133437.4); short protein forms T10172fs, T16669fs, T19237fs, T10297fs, T10364fs, T17596fs.
Identifiers: ClinVar variation 2941792 (VCV002941792.3), dbSNP rs2469700235, ClinGen allele CA2740090972.